The following is an entry in ClinVar:

NM_000297.4(PKD2):c.889C>T (p.Pro297Ser)

Gene: PKD2 (polycystin 2, transient receptor potential cation channel; plus strand). Cytogenetic location: 4q22.1.
Variant type: single nucleotide variant.
Coding change: c.889C>T on transcript NM_000297.4 (MANE Select); coding-DNA position 889, C replaced by T.
Protein change: p.Pro297Ser; replaces proline 297 with serine.
Molecular consequence: missense variant. On other transcripts: non-coding transcript variant (1).
Genome position (GRCh38, 1-based): chr4:88,038,296, C>T. VCF-style: chr4-88038296-C-T. GRCh37 (hg19) VCF-style: chr4-88959448-C-T.
Other names: c.889C>T, p.Pro297Ser (NM_001440544.1); short protein forms P297S.
Identifiers: ClinVar variation 4743311 (VCV004743311.1).
Genomic context (GRCh38, chr4:88,038,296, plus strand): 5'-TTCCTTTGCTTTTAGTTCACAGAAGGCTCCTTATTGGATGGGCTGTACTGGAAGATGCAG[C>T]CCAGCAACCAGACTGAAGCTGACAACCGAAGTTTCATCTTCTATGAGAACCTGCTGTTAG-3'
Protein context (NP_000288.1, residues 287-307): LLDGLYWKMQ[Pro297Ser]SNQTEADNRS

ClinVar aggregate classification (germline): Uncertain significance (1 of 4 stars; one submission).

Conditions:
Autosomal dominant polycystic kidney disease. Identifiers: Orphanet 730, MedGen C0085413, MONDO:0004691.

gnomAD v4.1: 1 of 1,613,742 alleles (0.000062%); no homozygotes.

Submission:

Labcorp Genetics (formerly Invitae), Labcorp
Classification: Uncertain significance for Autosomal dominant polycystic kidney disease. Last evaluated: 2025-12-10. Review status: criteria provided, single submitter. Criteria: Invitae Variant Classification Sherloc (09022015). Collection method: clinical testing. Allele origin: germline.
Comment: This sequence change replaces proline, which is neutral and non-polar, with serine, which is neutral and polar, at codon 297 of the PKD2 protein (p.Pro297Ser). This variant is not present in population databases (gnomAD no frequency). This variant has not been reported in the literature in individuals affected with PKD2-related conditions. Invitae Evidence Modeling of protein sequence and biophysical properties (such as structural, functional, and spatial information, amino acid conservation, physicochemical variation, residue mobility, and thermodynamic stability) indicates that this missense variant is not expected to disrupt PKD2 protein function with a negative predictive value of 80%. In summary, the available evidence is currently insufficient to determine the role of this variant in disease. Therefore, it has been classified as a Variant of Uncertain Significance.